The following is an entry in ClinVar:

NM_001270.4(CHD1):c.4883A>T (p.His1628Leu)

Gene: CHD1 (chromodomain helicase DNA binding protein 1; minus strand). Cytogenetic location: 5q15.
Variant type: single nucleotide variant.
Coding change: c.4883A>T on transcript NM_001270.4 (MANE Select); coding-DNA position 4883, A replaced by T.
Protein change: p.His1628Leu; replaces histidine 1628 with leucine.
Molecular consequence: missense variant. On other transcripts: non-coding transcript variant (2).
Genome position (GRCh38, 1-based): chr5:98,856,630, T>A on the plus strand (A>T on the coding strand, the complement: CHD1 is on the minus strand). VCF-style: chr5-98856630-T-A. GRCh37 (hg19) VCF-style: chr5-98192334-T-A.
Other names: c.5147A>T, p.His1716Leu (NM_001364113.3); c.4883A>T, p.His1628Leu (NM_001376194.2); short protein forms H1628L, H1716L.
Identifiers: ClinVar variation 4814070 (VCV004814070.1).

ClinVar aggregate classification (germline): Uncertain significance (1 of 4 stars; one submission).

Conditions:
Pilarowski-Bjornsson syndrome. Also called: DEVELOPMENTAL DELAY AND SPEECH APRAXIA WITH OR WITHOUT SEIZURES. Identifiers: Orphanet 529965, MedGen C4540131, MONDO:0060568, OMIM 617682.

Submission:

OLLIN Analises Genomicas, OLLIN
Classification: Uncertain significance for Pilarowski-Bjornsson syndrome. Last evaluated: 2026-02-13. Review status: criteria provided, single submitter. Criteria: ACMG Guidelines 2015 PMID 25741868. Collection method: clinical testing. Allele origin: germline. Observed: 1 variant allele.
Comment: PM2_P, PP2